The following is an entry in ClinVar:

NM_058163.3(TSR2):c.173-6A>C

Gene: TSR2 (TSR2 ribosome maturation factor; plus strand). Cytogenetic location: Xp11.22.
Variant type: single nucleotide variant.
Coding change: c.173-6A>C on transcript NM_058163.3 (MANE Select); 6 bases into the intron before coding-DNA position 173, A replaced by C.
Molecular consequence: intron variant.
Genome position (GRCh38, 1-based): chrX:54,443,394, A>C. VCF-style: chrX-54443394-A-C. GRCh37 (hg19) VCF-style: chrX-54469827-A-C.
Other names: c.-113-6A>C (NM_001346791.2, NM_001346792.2); c.-104-6A>C (NM_001346790.2); c.173-6A>C (NM_001346789.2, NM_058163.2).
Identifiers: ClinVar variation 4724519 (VCV004724519.2).

ClinVar aggregate classification (germline): Likely benign. Review status: criteria provided, multiple submitters, no conflicts (2 of 4 stars). 2 submissions from 2 submitters: Likely benign (2). Last evaluated 2025-11-05.

Conditions:
TSR2-related disorder. Also called: TSR2-related condition.

Submissions (2):

Labcorp Genetics (formerly Invitae), Labcorp
Classification: Likely benign. Last evaluated: 2025-11-05. Review status: criteria provided, single submitter. Criteria: Invitae Variant Classification Sherloc (09022015). Collection method: clinical testing. Allele origin: germline.

PreventionGenetics, part of Exact Sciences
Classification: Likely benign for TSR2-related condition. Last evaluated: 2025-02-11. Review status: criteria provided, single submitter. Criteria: ACMG Guidelines, 2015. Collection method: clinical testing. Allele origin: germline.
Comment: This variant is classified as likely benign based on ACMG/AMP sequence variant interpretation guidelines (Richards et al. 2015 PMID: 25741868, with internal and published modifications).